The following is an entry in ClinVar:

NM_032638.5(GATA2):c.63C>T (p.His21=)

Gene: GATA2 (GATA binding protein 2; minus strand). Cytogenetic location: 3q21.3.
Variant type: single nucleotide variant.
Coding change: c.63C>T on transcript NM_032638.5 (MANE Select); coding-DNA position 63, C replaced by T.
Protein change: p.His21=; no amino-acid change (histidine 21 retained).
Molecular consequence: synonymous variant.
Genome position (GRCh38, 1-based): chr3:128,486,969, G>A on the plus strand (C>T on the coding strand, the complement: GATA2 is on the minus strand). VCF-style: chr3-128486969-G-A. GRCh37 (hg19) VCF-style: chr3-128205812-G-A.
Other names: p.His21=; c.63C>T, p.His21= (NM_001145661.2, NM_001145662.1).
Identifiers: ClinVar variation 412755 (VCV000412755.42), dbSNP rs535362527, ClinGen allele CA2600110.

ClinVar aggregate classification (germline): Likely benign. Review status: criteria provided, multiple submitters, no conflicts (2 of 4 stars). 5 submissions from 5 submitters: Likely benign (5). Last evaluated 2025-12-01.

Conditions:
Inborn genetic diseases. Identifiers: MedGen C0950123, MeSH D030342.
Deafness-lymphedema-leukemia syndrome. Also called: Emberger syndrome; Lymphedema, primary, with myelodysplasia. Identifiers: Orphanet 3226, MedGen C3279664, MONDO:0013540, OMIM 614038.
Monocytopenia with susceptibility to infections. Also called: MONOCYTOPENIA AND MYCOBACTERIAL INFECTION SYNDROME; MONOCYTOPENIA WITH SUSCEPTIBILITY TO MYCOBACTERIAL, FUNGAL, AND PAPILLOMAVIRUS INFECTIONS AND MYELODYSPLASIA; COMBINED IMMUNODEFICIENCY WITH SUSCEPTIBILITY TO MYCOBACTERIAL, VIRAL, AND FUNGAL INFECTIONS; Dendritic cell, monocyte, B lymphocyte, and natural killer lymphocyte deficiency; IMMUNODEFICIENCY 21; GATA2 DEFICIENCY. Identifiers: Orphanet 228423, MedGen C3280030, MONDO:0013607, OMIM 614172.

Allele frequency attached by ClinVar (database versions not stated): gnomAD 0.00002; TOPMed 0.00002; gnomAD exomes 0.00003.
gnomAD v4.1: 43 of 1,611,312 alleles (0.0027%); highest among the groups gnomAD compares: Non-Finnish European, 0.0026%; no homozygotes.

Submissions (5):

Labcorp Genetics (formerly Invitae), Labcorp
Classification: Likely benign for Monocytopenia with susceptibility to infections; Deafness-lymphedema-leukemia syndrome. Last evaluated: 2025-12-01. Review status: criteria provided, single submitter. Criteria: Invitae Variant Classification Sherloc (09022015). Collection method: clinical testing. Allele origin: germline.

Mayo Clinic Laboratories, Mayo Clinic
Classification: Likely benign. Last evaluated: 2025-11-07. Review status: criteria provided, single submitter. Criteria: ACMG Guidelines, 2015. Collection method: clinical testing. Allele origin: germline. Observed: 1 variant allele.
Comment: BP4, BP7

Laboratory of Genetics, Children's Clinical University Hospital Latvia
Classification: Likely benign. Last evaluated: 2025-02-16. Review status: criteria provided, single submitter. Criteria: ACMG Guidelines, 2015. Collection method: clinical testing. Allele origin: germline. Affected: yes.

Ambry Genetics
Classification: Likely benign for Inborn genetic diseases. Last evaluated: 2024-08-21. Review status: criteria provided, single submitter. Criteria: Ambry Variant Classification Scheme 2023. Collection method: clinical testing. Allele origin: germline.

CeGaT Center for Human Genetics Tuebingen
Classification: Likely benign. Last evaluated: 2023-02-01. Review status: criteria provided, single submitter. Criteria: CeGaT Center For Human Genetics Tuebingen Variant Classification Criteria Version 2. Collection method: clinical testing. Allele origin: germline. Affected: yes. Observed: 1 variant allele.
Comment: GATA2: BP4, BP7